The following is an entry in ClinVar:

ClinVar aggregate classification (germline): Uncertain significance (1 of 4 stars; one submission).

Submission:

Labcorp Genetics (formerly Invitae), Labcorp
Classification: Uncertain significance. Last evaluated: 2022-11-01. Review status: criteria provided, single submitter. Criteria: Invitae Variant Classification Sherloc (09022015). Collection method: clinical testing. Allele origin: germline.
Comment: Experimental studies and prediction algorithms are not available or were not evaluated, and the functional significance of this variant is currently unknown. This sequence change replaces arginine with glycine at codon 1263 of the COL18A1 protein (p.Arg1263Gly). There is a moderate physicochemical difference between arginine and glycine. This variant is not present in population databases (gnomAD no frequency). This variant has not been reported in the literature in individuals affected with COL18A1-related conditions. ClinVar contains an entry for this variant (Variation ID: 1463346). In summary, the available evidence is currently insufficient to determine the role of this variant in disease. Therefore, it has been classified as a Variant of Uncertain Significance.

NM_001379500.1(COL18A1):c.3796A>G (p.Arg1266Gly)

Genes: SLC19A1 (solute carrier family 19 member 1; minus strand), COL18A1 (collagen type XVIII alpha 1 chain; plus strand). Cytogenetic location: 21q22.3.
Variant type: single nucleotide variant.
Coding change: c.3796A>G on transcript NM_001379500.1 (MANE Select); coding-DNA position 3796, A replaced by G.
Protein change: p.Arg1266Gly; replaces arginine 1266 with glycine.
Molecular consequence: missense variant.
Genome position (GRCh38, 1-based): chr21:45,511,213, A>G. VCF-style: chr21-45511213-A-G. GRCh37 (hg19) VCF-style: chr21-46931127-A-G.
Other names: c.4327A>G, p.Arg1443Gly (NM_030582.4); c.5032A>G, p.Arg1678Gly (NM_130444.3); short protein forms R1266G, R1678G, R1443G.
Identifiers: ClinVar variation 1463346 (VCV001463346.6), dbSNP rs2146141325, ClinGen allele CA410502054.